The following is an entry in ClinVar:

NM_000593.6(TAP1):c.1601C>T (p.Thr534Met)

Gene: TAP1 (transporter 1, ATP binding cassette subfamily B member; minus strand). Cytogenetic location: 6p21.32.
Variant type: single nucleotide variant.
Coding change: c.1601C>T on transcript NM_000593.6 (MANE Select); coding-DNA position 1601, C replaced by T.
Protein change: p.Thr534Met; replaces threonine 534 with methionine.
Molecular consequence: missense variant.
Genome position (GRCh38, 1-based): chr6:32,848,058, G>A on the plus strand (C>T on the coding strand, the complement: TAP1 is on the minus strand). VCF-style: chr6-32848058-G-A. GRCh37 (hg19) VCF-style: chr6-32815835-G-A.
Other names: c.998C>T, p.Thr333Met (NM_001292022.2); short protein forms T594M, T333M, T534M.
Identifiers: ClinVar variation 582193 (VCV000582193.12), dbSNP rs192572056, ClinGen allele CA3746727.

ClinVar aggregate classification (germline): Uncertain significance (1 of 4 stars; one submission).

Conditions:
MHC class I deficiency. Identifiers: Orphanet 34592, MedGen C6024714, MONDO:0011476.

Allele frequency attached by ClinVar (database versions not stated): ExAC 0.00006; gnomAD 0.00006 and 0.00007; 1000 Genomes Project 30x 0.00016; TOPMed 0.00002; 1000 Genomes Project 0.00020.
gnomAD v4.1: 61 of 1,612,430 alleles (0.0038%); highest among the groups gnomAD compares: South Asian, 0.011%; 2 homozygotes.

Submission:

Labcorp Genetics (formerly Invitae), Labcorp
Classification: Uncertain significance for MHC class I deficiency 1. Last evaluated: 2025-11-03. Review status: criteria provided, single submitter. Criteria: Invitae Variant Classification Sherloc (09022015). Collection method: clinical testing. Allele origin: germline.
Comment: This sequence change replaces threonine, which is neutral and polar, with methionine, which is neutral and non-polar, at codon 594 of the TAP1 protein (p.Thr594Met). This variant is present in population databases (rs192572056, gnomAD 0.01%). This variant has not been reported in the literature in individuals affected with TAP1-related conditions. ClinVar contains an entry for this variant (Variation ID: 582193). An algorithm developed to predict the effect of missense changes on protein structure and function outputs the following: PolyPhen-2: "Possibly Damaging". The methionine amino acid residue is found in multiple mammalian species, which suggests that this missense change does not adversely affect protein function. In summary, the available evidence is currently insufficient to determine the role of this variant in disease. Therefore, it has been classified as a Variant of Uncertain Significance.